The following is an entry in ClinVar:

ClinVar aggregate classification (germline): Conflicting classifications of pathogenicity. Review status: criteria provided, conflicting classifications (1 of 4 stars). 2 submissions from 2 submitters: Uncertain significance (1); Likely benign (1). Last evaluated 2023-10-05.

Allele frequency attached by ClinVar (database versions not stated): ExAC 0.00001; gnomAD 0.00001; gnomAD exomes 0.00001; TOPMed 0.00002.
gnomAD v4.1: 4 of 1,613,656 alleles (0.00025%); highest among the groups gnomAD compares: South Asian, 0.0022%; no homozygotes.

Submissions (2):

Ambry Genetics
Classification: Likely benign. Last evaluated: 2023-10-05. Review status: criteria provided, single submitter. Criteria: Ambry Variant Classification Scheme 2023. Collection method: clinical testing. Allele origin: germline.

Labcorp Genetics (formerly Invitae), Labcorp
Classification: Uncertain significance. Last evaluated: 2022-01-14. Review status: criteria provided, single submitter. Criteria: Invitae Variant Classification Sherloc (09022015). Collection method: clinical testing. Allele origin: germline.
Comment: In summary, the available evidence is currently insufficient to determine the role of this variant in disease. Therefore, it has been classified as a Variant of Uncertain Significance. Algorithms developed to predict the effect of missense changes on protein structure and function output the following: SIFT: "Tolerated"; PolyPhen-2: "Benign"; Align-GVGD: "Class C0". The valine amino acid residue is found in multiple mammalian species, which suggests that this missense change does not adversely affect protein function. ClinVar contains an entry for this variant (Variation ID: 1025106). This variant has not been reported in the literature in individuals affected with ASRGL1-related conditions. This variant is present in population databases (rs747161372, gnomAD 0.007%). This sequence change replaces isoleucine, which is neutral and non-polar, with valine, which is neutral and non-polar, at codon 304 of the ASRGL1 protein (p.Ile304Val).

NM_001083926.2(ASRGL1):c.910A>G (p.Ile304Val)

Gene: ASRGL1 (asparaginase and isoaspartyl peptidase 1; plus strand). Cytogenetic location: 11q12.3.
Variant type: single nucleotide variant.
Coding change: c.910A>G on transcript NM_001083926.2 (MANE Select); coding-DNA position 910, A replaced by G.
Protein change: p.Ile304Val; replaces isoleucine 304 with valine.
Molecular consequence: missense variant.
Genome position (GRCh38, 1-based): chr11:62,392,267, A>G. VCF-style: chr11-62392267-A-G. GRCh37 (hg19) VCF-style: chr11-62159739-A-G.
Other names: c.910A>G (NM_001083926.1); c.910A>G, p.Ile304Val (NM_025080.4); short protein forms I304V.
Identifiers: ClinVar variation 1025106 (VCV001025106.9), dbSNP rs747161372, ClinGen allele CA6043355.